The following is an entry in ClinVar:

NM_004991.4(MECOM):c.2351G>T (p.Ser784Ile)

Gene: MECOM (MDS1 and EVI1 complex locus; minus strand). Cytogenetic location: 3q26.2.
Variant type: single nucleotide variant.
Coding change: c.2351G>T on transcript NM_004991.4 (MANE Select); coding-DNA position 2351, G replaced by T.
Protein change: p.Ser784Ile; replaces serine 784 with isoleucine.
Molecular consequence: missense variant.
Genome position (GRCh38, 1-based): chr3:169,115,521, C>A on the plus strand (G>T on the coding strand, the complement: MECOM is on the minus strand). VCF-style: chr3-169115521-C-A. GRCh37 (hg19) VCF-style: chr3-168833309-C-A.
Other names: c.1982G>T, p.Ser661Ile (NM_001105077.4); c.1787G>T, p.Ser596Ile (NM_001105078.4, NM_001164000.2, NM_001205194.2 and 4 more transcripts); c.1790G>T, p.Ser597Ile (NM_001163999.2, NM_001366467.2, NM_001366468.2 and 1 more transcripts); c.2351G>T, p.Ser784Ile (NM_001366466.2); c.1379G>T, p.Ser460Ile (NM_001366473.2); c.815G>T, p.Ser272Ile (NM_001366474.2); short protein forms S661I, S784I, S272I, S460I, S596I, S597I.
Identifiers: ClinVar variation 5024195 (VCV005024195.1).

ClinVar aggregate classification (germline): Uncertain significance (1 of 4 stars; one submission).

Conditions:
Inborn genetic diseases. Identifiers: MedGen C0950123, MeSH D030342.

Submission:

Ambry Genetics
Classification: Uncertain significance for Inborn genetic diseases. Last evaluated: 2026-08-26. Review status: criteria provided, single submitter. Criteria: Ambry Variant Classification Scheme 2023. Collection method: clinical testing. Allele origin: germline.
Comment: The p.S784I variant (also known as c.2351G>T), located in coding exon 8 of the MECOM gene, results from a G to T substitution at nucleotide position 2351. The serine at codon 784 is replaced by isoleucine, an amino acid with dissimilar properties. This amino acid position is conserved. In addition, this alteration is predicted to be tolerated by in silico analysis. Based on the available evidence, the clinical significance of this variant remains unclear.